The following is an entry in ClinVar:

ClinVar aggregate classification (germline): Likely benign. Review status: criteria provided, multiple submitters, no conflicts (2 of 4 stars). 2 submissions from 2 submitters: Likely benign (2). Last evaluated 2025-02-19.

Conditions:
AFF4-related disorder. Also called: AFF4-related condition.
Cognitive impairment - coarse facies - heart defects - obesity - pulmonary involvement - short stature - skeletal dysplasia syndrome. Also called: COGNITIVE IMPAIRMENT, COARSE FACIES, HEART DEFECTS, OBESITY, PULMONARY INVOLVEMENT, SHORT STATURE, AND SKELETAL DYSPLASIA; Chops syndrome; AFF4-Related CHOPS Syndrome. Identifiers: Orphanet 444077, MedGen C4085597, MONDO:0014609, OMIM 616368.

Allele frequency attached by ClinVar (database versions not stated): TOPMed below 0.00001; gnomAD 0.00001; gnomAD exomes 0.00001 and 0.00002; ExAC 0.00004.
gnomAD v4.1: 22 of 1,611,102 alleles (0.0014%); highest among the groups gnomAD compares: Non-Finnish European, 0.0014%; no homozygotes.

Submissions (2):

PreventionGenetics, part of Exact Sciences
Classification: Likely benign for AFF4-related condition. Last evaluated: 2025-02-19. Review status: criteria provided, single submitter. Criteria: ACMG Guidelines, 2015. Collection method: clinical testing. Allele origin: germline.
Comment: This variant is classified as likely benign based on ACMG/AMP sequence variant interpretation guidelines (Richards et al. 2015 PMID: 25741868, with internal and published modifications).

Labcorp Genetics (formerly Invitae), Labcorp
Classification: Likely benign for Cognitive impairment - coarse facies - heart defects - obesity - pulmonary involvement - short stature - skeletal dysplasia syndrome. Last evaluated: 2024-11-13. Review status: criteria provided, single submitter. Criteria: Invitae Variant Classification Sherloc (09022015). Collection method: clinical testing. Allele origin: germline.

NM_014423.4(AFF4):c.2760A>G (p.Gln920=)

Gene: AFF4 (ALF transcription elongation factor 4; minus strand). Cytogenetic location: 5q31.1.
Variant type: single nucleotide variant.
Coding change: c.2760A>G on transcript NM_014423.4 (MANE Select); coding-DNA position 2760, A replaced by G.
Protein change: p.Gln920=; no amino-acid change (glutamine 920 retained).
Molecular consequence: synonymous variant.
Genome position (GRCh38, 1-based): chr5:132,888,133, T>C on the plus strand (A>G on the coding strand, the complement: AFF4 is on the minus strand). VCF-style: chr5-132888133-T-C. GRCh37 (hg19) VCF-style: chr5-132223825-T-C.
Other names: c.2760A>G (NM_014423.3).
Identifiers: ClinVar variation 1471871 (VCV001471871.7), dbSNP rs754506500, ClinGen allele CA3408828.
Genomic context (GRCh38, chr5:132,888,133, plus strand): 5'-AGTGTAAGGAGAATATCTACATACCAATGCATCTGCATTGTGCTTTAGCTTTTTTGCTTC[T>C]TGTAAATAATGGTCTGCTGAATAATTTCTGCAAGACAAATTTTCATTATAAATAGAATAG-3'
Protein context (NP_055238.1, residues 910-930): DRNYSADHYL[Gln920=]EAKKLKHNAD